The following is an entry in ClinVar:

ClinVar aggregate classification (germline): Uncertain significance. Review status: criteria provided, multiple submitters, no conflicts (2 of 4 stars). 3 submissions from 3 submitters: Uncertain significance (3). Last evaluated 2025-08-22.

Conditions:
Inborn genetic diseases. Identifiers: MedGen C0950123, MeSH D030342.

Allele frequency attached by ClinVar (database versions not stated): gnomAD exomes below 0.00001 and 0.00002; gnomAD 0.00001; TOPMed 0.00002.
gnomAD v4.1: 8 of 1,613,148 alleles (0.0005%); highest among the groups gnomAD compares: Admixed American, 0.0083%; no homozygotes.

Submissions (3):

Ambry Genetics
Classification: Uncertain significance for Inborn genetic diseases. Last evaluated: 2025-08-22. Review status: criteria provided, single submitter. Criteria: Ambry Variant Classification Scheme 2023. Collection method: clinical testing. Allele origin: germline.

GeneDx
Classification: Uncertain significance. Last evaluated: 2023-12-13. Review status: criteria provided, single submitter. Criteria: GeneDx Variant Classification Process June 2021. Collection method: clinical testing. Allele origin: germline. Affected: yes.
Comment: In silico analysis supports that this missense variant has a deleterious effect on protein structure/function; Has not been previously published as pathogenic or benign to our knowledge

Labcorp Genetics (formerly Invitae), Labcorp
Classification: Uncertain significance. Last evaluated: 2021-08-27. Review status: criteria provided, single submitter. Criteria: Invitae Variant Classification Sherloc (09022015). Collection method: clinical testing. Allele origin: germline.

NM_001378778.1(MPDZ):c.5648G>A (p.Ser1883Asn)

Gene: MPDZ (multiple PDZ domain crumbs cell polarity complex component; minus strand). Cytogenetic location: 9p23.
Variant type: single nucleotide variant.
Coding change: c.5648G>A on transcript NM_001378778.1 (MANE Select); coding-DNA position 5648, G replaced by A.
Protein change: p.Ser1883Asn; replaces serine 1883 with asparagine.
Molecular consequence: missense variant.
Genome position (GRCh38, 1-based): chr9:13,112,100, C>T on the plus strand (G>A on the coding strand, the complement: MPDZ is on the minus strand). VCF-style: chr9-13112100-C-T. GRCh37 (hg19) VCF-style: chr9-13112099-C-T.
Other names: c.5561G>A (NM_003829.4, NM_003829.3); c.5549G>A, p.Ser1850Asn (NM_001261406.2, NM_001375416.1, NM_001375417.1 and 1 more transcripts); c.5462G>A, p.Ser1821Asn (NM_001261407.2, NM_001375419.1); c.5648G>A, p.Ser1883Asn (NM_001330637.2); c.5747G>A, p.Ser1916Asn (NM_001375413.1); c.5438G>A, p.Ser1813Asn (NM_001375420.1, NM_001375421.1, NM_001375422.1 and 2 more transcripts); c.5351G>A, p.Ser1784Asn (NM_001375425.1, NM_001375426.1); c.5240G>A, p.Ser1747Asn (NM_001375427.1); and 1 more; short protein forms S1747N, S1784N, S1813N, S1821N, S1854N, S1850N, S1883N, S1916N.
Identifiers: ClinVar variation 1485048 (VCV001485048.5), dbSNP rs986731225, ClinGen allele CA189268887.
Genomic context (GRCh38, chr9:13,112,100, plus strand): 5'-TGTGCTGCAACTCCAGTTGGGTGCATCATTGCAATAAATATAGGCACATCACCAAGTGGG[C>T]TGCCTACTCCTCCAGCGATGCTGATTCCCAGTGAGTCAGTAGGGCCCTGCCATGGAACAG-3'
Protein context (NP_001365707.1, residues 1873-1893): LGISIAGGVG[Ser1883Asn]PLGDVPIFIA